The following is an entry in ClinVar:

NM_000350.3(ABCA4):c.1850A>G (p.Gln617Arg)

Gene: ABCA4 (ATP binding cassette subfamily A member 4; minus strand). Cytogenetic location: 1p22.1.
Variant type: single nucleotide variant.
Coding change: c.1850A>G on transcript NM_000350.3 (MANE Select); coding-DNA position 1850, A replaced by G.
Protein change: p.Gln617Arg; replaces glutamine 617 with arginine.
Molecular consequence: missense variant.
Genome position (GRCh38, 1-based): chr1:94,062,664, T>C on the plus strand (A>G on the coding strand, the complement: ABCA4 is on the minus strand). VCF-style: chr1-94062664-T-C. GRCh37 (hg19) VCF-style: chr1-94528220-T-C.
Other names: c.1850A>G, p.Gln617Arg (NM_001425324.1); short protein forms Q617R.
Identifiers: ClinVar variation 960937 (VCV000960937.10), dbSNP rs769283184, ClinGen allele CA958410.

ClinVar aggregate classification (germline): Conflicting classifications of pathogenicity. Review status: criteria provided, conflicting classifications (1 of 4 stars). 2 submissions from 2 submitters: Uncertain significance (1); Likely benign (1). Last evaluated 2026-06-21.

Conditions:
ABCA4-related disorder. Also called: ABCA4-related disorders; ABCA4-related condition. Identifiers: MedGen CN239167.

Allele frequency attached by ClinVar (database versions not stated): gnomAD 0.00001; ExAC 0.00003; gnomAD exomes 0.00003 and 0.00008; TOPMed 0.00003.
gnomAD v4.1: 21 of 1,614,074 alleles (0.0013%); highest among the groups gnomAD compares: Admixed American, 0.035%; no homozygotes.

Submissions (2):

PreventionGenetics, part of Exact Sciences
Classification: Uncertain significance for ABCA4-related condition. Last evaluated: 2026-06-21. Review status: criteria provided, single submitter. Criteria: ACMG Guidelines, 2015. Collection method: clinical testing. Allele origin: germline.
Comment: The ABCA4 c.1850A>G variant is predicted to result in the amino acid substitution p.Gln617Arg. To our knowledge, this variant has not been reported in the literature. This variant is reported in 0.062% of alleles in individuals of Latino descent in gnomAD, which may be too frequent to be a primary cause of disease. Although we suspect that this variant may be benign, at this time, the clinical significance of this variant is uncertain due to the absence of conclusive functional and genetic evidence.

Labcorp Genetics (formerly Invitae), Labcorp
Classification: Likely benign. Last evaluated: 2026-01-26. Review status: criteria provided, single submitter. Criteria: Invitae Variant Classification Sherloc (09022015). Collection method: clinical testing. Allele origin: germline.